The following is an entry in ClinVar:

NM_032193.4(RNASEH2C):c.316G>A (p.Asp106Asn)

Gene: RNASEH2C (ribonuclease H2 subunit C; minus strand). Cytogenetic location: 11q13.1.
Variant type: single nucleotide variant.
Coding change: c.316G>A on transcript NM_032193.4 (MANE Select); coding-DNA position 316, G replaced by A.
Protein change: p.Asp106Asn; replaces aspartic acid 106 with asparagine.
Molecular consequence: missense variant.
Genome position (GRCh38, 1-based): chr11:65,720,274, C>T on the plus strand (G>A on the coding strand, the complement: RNASEH2C is on the minus strand). VCF-style: chr11-65720274-C-T. GRCh37 (hg19) VCF-style: chr11-65487745-C-T.
Other names: short protein forms D106N.
Identifiers: ClinVar variation 1437521 (VCV001437521.5), dbSNP rs1379430577, ClinGen allele CA381298652.

ClinVar aggregate classification (germline): Uncertain significance (1 of 4 stars; one submission).

Conditions:
Aicardi-Goutieres syndrome 3. Identifiers: Orphanet 51, MedGen C1835916, MONDO:0012471, OMIM 610329.

Allele frequency attached by ClinVar (database versions not stated): TOPMed below 0.00001.
gnomAD v4.1: 23 of 1,614,242 alleles (0.0014%); highest among the groups gnomAD compares: Non-Finnish European, 0.0019%; no homozygotes.

Submission:

Labcorp Genetics (formerly Invitae), Labcorp
Classification: Uncertain significance for Aicardi-Goutieres syndrome 3. Last evaluated: 2022-02-05. Review status: criteria provided, single submitter. Criteria: Invitae Variant Classification Sherloc (09022015). Collection method: clinical testing. Allele origin: germline.
Comment: This sequence change replaces aspartic acid, which is acidic and polar, with asparagine, which is neutral and polar, at codon 106 of the RNASEH2C protein (p.Asp106Asn). This variant is not present in population databases (gnomAD no frequency). This variant has not been reported in the literature in individuals affected with RNASEH2C-related conditions. Algorithms developed to predict the effect of missense changes on protein structure and function (SIFT, PolyPhen-2, Align-GVGD) all suggest that this variant is likely to be tolerated. In summary, the available evidence is currently insufficient to determine the role of this variant in disease. Therefore, it has been classified as a Variant of Uncertain Significance.